The following is an entry in ClinVar:

ClinVar aggregate classification (germline): Conflicting classifications of pathogenicity. Review status: criteria provided, conflicting classifications (1 of 4 stars). 3 submissions from 3 submitters: Uncertain significance (1); Likely benign (1). 1 of the submissions does not count toward it. Last evaluated 2026-07-07.

Conditions:
Glycogen storage disease, type II (IOPD). Also called: GLYCOGENOSIS, GENERALIZED, CARDIAC FORM; GSD II; POMPE DISEASE, INFANTILE-ONSET; GLYCOGEN STORAGE DISEASE II, INFANTILE-ONSET; ACID ALPHA-GLUCOSIDASE DEFICIENCY, INFANTILE-ONSET; GAA DEFICIENCY, INFANTILE-ONSET. Identifiers: Orphanet 365, MedGen C0017921, MONDO:0009290, OMIM 232300.
Cardiovascular phenotype. Identifiers: MedGen CN230736.

Allele frequency attached by ClinVar (database versions not stated): gnomAD exomes 0.00001 and 0.00006; TOPMed 0.00002; ExAC 0.00004; gnomAD 0.00001.
gnomAD v4.1: 17 of 1,561,386 alleles (0.0011%); highest among the groups gnomAD compares: East Asian, 0.036%; no homozygotes.

Submissions (3):

Ambry Genetics
Classification: Uncertain significance for Cardiovascular phenotype. Last evaluated: 2026-07-07. Review status: criteria provided, single submitter. Criteria: Ambry Variant Classification Scheme 2023. Collection method: clinical testing. Allele origin: germline.
Comment: The p.R881G variant (also known as c.2641A>G), located in coding exon 17 of the GAA gene, results from an A to G substitution at nucleotide position 2641. The arginine at codon 881 is replaced by glycine, an amino acid with dissimilar properties. This amino acid position is conserved. In addition, this alteration is predicted to be tolerated by in silico analysis. Based on the available evidence, the clinical significance of this variant remains unclear.

Labcorp Genetics (formerly Invitae), Labcorp
Classification: Likely benign for Glycogen storage disease, type II. Last evaluated: 2025-11-11. Review status: criteria provided, single submitter. Criteria: Invitae Variant Classification Sherloc (09022015). Collection method: clinical testing. Allele origin: germline.

Natera, Inc.
Classification: Uncertain significance for Glycogen storage disease type II. Last evaluated: 2020-01-17. Review status: no assertion criteria provided. Collection method: clinical testing. Allele origin: germline. Not counted in ClinVar's aggregate classification.

NM_000152.5(GAA):c.2641A>G (p.Arg881Gly)

Gene: GAA (alpha glucosidase; plus strand). Cytogenetic location: 17q25.3.
Variant type: single nucleotide variant.
Coding change: c.2641A>G on transcript NM_000152.5 (MANE Select); coding-DNA position 2641, A replaced by G.
Protein change: p.Arg881Gly; replaces arginine 881 with glycine.
Molecular consequence: missense variant.
Genome position (GRCh38, 1-based): chr17:80,118,352, A>G. VCF-style: chr17-80118352-A-G. GRCh37 (hg19) VCF-style: chr17-78092151-A-G.
Other names: c.2641A>G (LRG_673t1, NM_001079804.1); c.2641A>G, p.Arg881Gly (NM_001079803.3, NM_001079804.3); short protein forms R881G.
Identifiers: ClinVar variation 663367 (VCV000663367.12), dbSNP rs769578772, ClinGen allele CA8815799.